The following is an entry in ClinVar:

NM_012301.4(MAGI2):c.2695G>C (p.Ala899Pro)

Gene: MAGI2 (membrane associated guanylate kinase, WW and PDZ domain containing 2; minus strand). Cytogenetic location: 7q21.11.
Variant type: single nucleotide variant.
Coding change: c.2695G>C on transcript NM_012301.4 (MANE Select); coding-DNA position 2695, G replaced by C.
Protein change: p.Ala899Pro; replaces alanine 899 with proline.
Molecular consequence: missense variant.
Genome position (GRCh38, 1-based): chr7:78,160,175, C>G on the plus strand (G>C on the coding strand, the complement: MAGI2 is on the minus strand). VCF-style: chr7-78160175-C-G. GRCh37 (hg19) VCF-style: chr7-77789492-C-G.
Other names: c.2653G>C, p.Ala885Pro (NM_001301128.2); short protein forms A885P, A899P.
Identifiers: ClinVar variation 2637167 (VCV002637167.2), dbSNP rs988557174, ClinGen allele CA161056609.

ClinVar aggregate classification (germline): Uncertain significance. Review status: criteria provided, multiple submitters, no conflicts (2 of 4 stars). 2 submissions from 2 submitters: Uncertain significance (2). Last evaluated 2023-12-25.

Conditions:
MAGI2-related disorder. Also called: MAGI2-related condition.
Nephrotic syndrome 15. Identifiers: MedGen C4539896, MONDO:0033262, OMIM 617609.

Allele frequency attached by ClinVar (database versions not stated): gnomAD 0.00001.

Submissions (2):

Fulgent Genetics
Classification: Uncertain significance for Nephrotic syndrome 15. Last evaluated: 2023-12-25. Review status: criteria provided, single submitter. Criteria: ACMG Guidelines, 2015. Collection method: clinical testing. Allele origin: germline.

PreventionGenetics, part of Exact Sciences
Classification: Uncertain significance for MAGI2-related condition. Last evaluated: 2022-10-17. Review status: criteria provided, single submitter. Criteria: ACMG Guidelines, 2015. Collection method: clinical testing. Allele origin: germline.
Comment: The MAGI2 c.2695G>C variant is predicted to result in the amino acid substitution p.Ala899Pro. To our knowledge, this variant has not been reported in the literature or in a large population database, indicating this variant is rare. At this time, the clinical significance of this variant is uncertain due to the absence of conclusive functional and genetic evidence.